The following is an entry in ClinVar:

NM_173628.4(DNAH17):c.8020C>T (p.Leu2674=)

Gene: DNAH17 (dynein axonemal heavy chain 17; minus strand). Cytogenetic location: 17q25.3.
Variant type: single nucleotide variant.
Coding change: c.8020C>T on transcript NM_173628.4 (MANE Select); coding-DNA position 8020, C replaced by T.
Protein change: p.Leu2674=; no amino-acid change (leucine 2674 retained).
Molecular consequence: synonymous variant.
Genome position (GRCh38, 1-based): chr17:78,476,706, G>A on the plus strand (C>T on the coding strand, the complement: DNAH17 is on the minus strand). VCF-style: chr17-78476706-G-A. GRCh37 (hg19) VCF-style: chr17-76472788-G-A.
Identifiers: ClinVar variation 5040616 (VCV005040616.1).
Genomic context (GRCh38, chr17:78,476,706, plus strand): 5'-CACCATACACTCGTTCAGTCTCATGTAGCCAAAGGCGGACGAGGTCCAGTGGGGTTTTCA[G>A]AACTTCTGCTGTGGAAAATAAGAGTCCCTGCCCCAAACACAGGATGATCAGCACCGTCAG-3'
Protein context (NP_775899.3, residues 2664-2684): QGLLFSTAEV[Leu2674=]KTPLDLVRLW

ClinVar aggregate classification (germline): Likely benign (1 of 4 stars; one submission).

Submission:

CeGaT Center for Human Genetics Tuebingen
Classification: Likely benign. Last evaluated: 2026-08-01. Review status: criteria provided, single submitter. Criteria: CeGaT Center For Human Genetics Tuebingen Variant Classification Criteria Version 2. Collection method: clinical testing. Allele origin: germline. Affected: yes. Observed: 1 variant allele.
Comment: DNAH17: PM2:Supporting, BP4, BP7